The following is an entry in ClinVar:

ClinVar aggregate classification (germline): Uncertain significance. Review status: criteria provided, multiple submitters, no conflicts (2 of 4 stars). 4 submissions from 4 submitters: Uncertain significance (3). 1 of the submissions does not count toward it. Last evaluated 2025-11-10.

Conditions:
WRN-related disorder. Also called: WRN-related condition.
Werner syndrome (WRN). Identifiers: Orphanet 902, MedGen C0043119, MONDO:0010196, OMIM 277700.

Allele frequency attached by ClinVar (database versions not stated): gnomAD 0.00001 and 0.00002; gnomAD exomes 0.00001; TOPMed 0.00001; ExAC 0.00002.
gnomAD v4.1: 23 of 1,613,462 alleles (0.0014%); highest among the groups gnomAD compares: Middle Eastern, 0.017%; no homozygotes.

Submissions (4):

Labcorp Genetics (formerly Invitae), Labcorp
Classification: Uncertain significance for Werner syndrome. Last evaluated: 2025-11-10. Review status: criteria provided, single submitter. Criteria: Invitae Variant Classification Sherloc (09022015). Collection method: clinical testing. Allele origin: germline.
Comment: This sequence change replaces threonine, which is neutral and polar, with methionine, which is neutral and non-polar, at codon 663 of the WRN protein (p.Thr663Met). This variant is present in population databases (rs752650803, gnomAD 0.007%). This variant has not been reported in the literature in individuals affected with WRN-related conditions. ClinVar contains an entry for this variant (Variation ID: 646283). An algorithm developed to predict the effect of missense changes on protein structure and function (PolyPhen-2) suggests that this variant is likely to be disruptive. In summary, the available evidence is currently insufficient to determine the role of this variant in disease. Therefore, it has been classified as a Variant of Uncertain Significance.

PreventionGenetics, part of Exact Sciences
Classification: Uncertain significance for WRN-related condition. Last evaluated: 2025-09-03. Review status: criteria provided, single submitter. Criteria: ACMG Guidelines, 2015. Collection method: clinical testing. Allele origin: germline.
Comment: The WRN c.1988C>T variant is predicted to result in the amino acid substitution p.Thr663Met. To our knowledge, this variant has not been reported in the literature. This variant is reported in 0.0065% of alleles in individuals of South Asian descent in gnomAD. This variant has an interpretation of uncertain significance in ClinVar (Variation ID: 646283). At this time, the clinical significance of this variant is uncertain due to the absence of conclusive functional and genetic evidence.

Breakthrough Genomics
Classification: Uncertain significance. Review status: criteria provided, single submitter. Criteria: ACMG Guidelines, 2015. Collection method: not provided. Allele origin: germline. Inheritance: Autosomal recessive inheritance. Affected: yes.

Genetic Services Laboratory, University of Chicago
Classification: Uncertain significance. Last evaluated: 2022-05-20. Review status: no assertion criteria provided. Collection method: clinical testing. Allele origin: germline. Affected: no. Not counted in ClinVar's aggregate classification.
Comment: DNA sequence analysis of the WRN gene demonstrated a sequence change, c.1988C>T, in exon 18 that results in an amino acid change, p.Thr663Met. This sequence change has been described in the gnomAD database in three heterozygous individuals corresponding to a population frequency of 0.00119% (dbSNP rs752650803). The p.Thr663Met change affects a moderately conserved amino acid residue located in a domain of the WRN protein that is known to be functional. In-silico pathogenicity prediction tools (SIFT, PolyPhen2, Align GVGD, REVEL) provide contradictory results for the p.Thr663Met substitution. This sequence change does not appear to have been previously described in individuals with WRN-related disorders. Due to insufficient evidences and the lack of functional studies, the clinical significance of the p.Thr663Met change remains unknown at this time.

NM_000553.6(WRN):c.1988C>T (p.Thr663Met)

Gene: WRN (WRN RecQ like helicase; plus strand). Cytogenetic location: 8p12.
Variant type: single nucleotide variant.
Coding change: c.1988C>T on transcript NM_000553.6 (MANE Select); coding-DNA position 1988, C replaced by T.
Protein change: p.Thr663Met; replaces threonine 663 with methionine.
Molecular consequence: missense variant.
Genome position (GRCh38, 1-based): chr8:31,100,855, C>T. VCF-style: chr8-31100855-C-T. GRCh37 (hg19) VCF-style: chr8-30958371-C-T.
Other names: c.1988C>T (NM_000553.5); short protein forms T663M.
Identifiers: ClinVar variation 646283 (VCV000646283.11), dbSNP rs752650803, ClinGen allele CA4704595.
Genomic context (GRCh38, chr8:31,100,855, plus strand): 5'-ATTTTTTCCTTTCGAGCTTTATCTTTTCCTTTATGTGTTTTTCTTTTTTTACAGGTATCA[C>T]GCTCATTGCTGTGGATGAGGCTCACTGTATTTCTGAGTGGGGGCATGATTTTAGGGATTC-3'
Protein context (NP_000544.2, residues 653-673): LQQLEADIGI[Thr663Met]LIAVDEAHCI